The following is an entry in ClinVar:

NM_033100.4(CDHR1):c.2119G>A (p.Gly707Ser)

Gene: CDHR1 (cadherin related family member 1; plus strand). Cytogenetic location: 10q23.1.
Variant type: single nucleotide variant.
Coding change: c.2119G>A on transcript NM_033100.4 (MANE Select); coding-DNA position 2119, G replaced by A.
Protein change: p.Gly707Ser; replaces glycine 707 with serine.
Molecular consequence: missense variant. On other transcripts: intron variant (1).
Genome position (GRCh38, 1-based): chr10:84,214,160, G>A. VCF-style: chr10-84214160-G-A. GRCh37 (hg19) VCF-style: chr10-85973916-G-A.
Other names: c.2040+812G>A (NM_001171971.3); short protein forms G707S.
Identifiers: ClinVar variation 2122974 (VCV002122974.4), dbSNP rs780543770, ClinGen allele CA5580151.
Genomic context (GRCh38, chr10:84,214,160, plus strand): 5'-ATGGCTGCCTTCCTGATACAGACCAAGGACAACCCCATGAAGGCCGTGGGTGTGCTGGCC[G>A]GCACCATGGCCACCGTCGTGGCCATCACTGTCCTCATCTCCACCGCCACCTTCTGGCGCA-3'
Protein context (NP_149091.1, residues 697-717): NPMKAVGVLA[Gly707Ser]TMATVVAITV

ClinVar aggregate classification (germline): Uncertain significance. Review status: criteria provided, multiple submitters, no conflicts (2 of 4 stars). 2 submissions from 2 submitters: Uncertain significance (2). Last evaluated 2022-10-05.

Allele frequency attached by ClinVar (database versions not stated): gnomAD 0.00001; TOPMed 0.00001; ExAC 0.00002.
gnomAD v4.1: 24 of 1,614,004 alleles (0.0015%); highest among the groups gnomAD compares: South Asian, 0.0044%; no homozygotes.

Submissions (2):

Labcorp Genetics (formerly Invitae), Labcorp
Classification: Uncertain significance. Last evaluated: 2022-10-05. Review status: criteria provided, single submitter. Criteria: Invitae Variant Classification Sherloc (09022015). Collection method: clinical testing. Allele origin: germline.
Comment: Advanced modeling of protein sequence and biophysical properties (such as structural, functional, and spatial information, amino acid conservation, physicochemical variation, residue mobility, and thermodynamic stability) performed at Invitae indicates that this missense variant is not expected to disrupt CDHR1 protein function. In summary, the available evidence is currently insufficient to determine the role of this variant in disease. Therefore, it has been classified as a Variant of Uncertain Significance. This variant has not been reported in the literature in individuals affected with CDHR1-related conditions. This variant is present in population databases (rs780543770, gnomAD 0.007%). This sequence change replaces glycine, which is neutral and non-polar, with serine, which is neutral and polar, at codon 707 of the CDHR1 protein (p.Gly707Ser).

Blueprint Genetics
Classification: Uncertain significance. Last evaluated: 2020-01-30. Review status: criteria provided, single submitter. Criteria: ACMG Guidelines, 2015. Collection method: clinical testing. Allele origin: germline.